The following is an entry in ClinVar:

ClinVar aggregate classification (germline): Uncertain significance (1 of 4 stars; one submission).

Conditions:
Hereditary cancer-predisposing syndrome. Also called: Neoplastic Syndromes, Hereditary; Hereditary Cancer Syndrome; Hereditary neoplastic syndrome; Tumor predisposition. Identifiers: Orphanet 140162, MedGen C0027672, MeSH D009386, MONDO:0015356.

Submission:

Ambry Genetics
Classification: Uncertain significance for Hereditary cancer-predisposing syndrome. Last evaluated: 2023-04-01. Review status: criteria provided, single submitter. Criteria: Ambry Variant Classification Scheme 2023. Collection method: clinical testing. Allele origin: germline.
Comment: The p.K315Q variant (also known as c.943A>C), located in coding exon 6 of the PTCH1 gene, results from an A to C substitution at nucleotide position 943. The lysine at codon 315 is replaced by glutamine, an amino acid with similar properties. This amino acid position is conserved. In addition, this alteration is predicted to be tolerated by in silico analysis. Since supporting evidence is limited at this time, the clinical significance of this alteration remains unclear.

NM_000264.5(PTCH1):c.943A>C (p.Lys315Gln)

Gene: PTCH1 (patched 1; minus strand). Cytogenetic location: 9q22.32.
Variant type: single nucleotide variant.
Coding change: c.943A>C on transcript NM_000264.5 (MANE Select); coding-DNA position 943, A replaced by C.
Protein change: p.Lys315Gln; replaces lysine 315 with glutamine.
Molecular consequence: missense variant. On other transcripts: non-coding transcript variant (1).
Genome position (GRCh38, 1-based): chr9:95,480,392, T>G on the plus strand (A>C on the coding strand, the complement: PTCH1 is on the minus strand). VCF-style: chr9-95480392-T-G. GRCh37 (hg19) VCF-style: chr9-98242674-T-G.
Other names: c.490A>C, p.Lys164Gln (NM_001083605.3, NM_001083606.3, NM_001083607.3 and 1 more transcripts); c.943A>C, p.Lys315Gln (NM_001354918.2); c.745A>C, p.Lys249Gln (NM_001083602.3); c.940A>C, p.Lys314Gln (NM_001083603.3); short protein forms K314Q, K164Q, K249Q, K315Q.
Identifiers: ClinVar variation 2564368 (VCV002564368.2), dbSNP rs1564055253, ClinGen allele CA374113615.
Genomic context (GRCh38, chr9:95,480,392, plus strand): 5'-GACACAAAAAAGTGTTTTGCTCTCCACCCTTCTGAGAGCGCTCACTGCTGGTACTCACTT[T>G]GGTTGAATTTTTGTTGGGGGCTGTGGCGGGGCAGTCTGGATCGGCCGGATTGAGGCAGGG-3'
Protein context (NP_000255.2, residues 305-325): PATAPNKNST[Lys315Gln]PLDMALVLNG